The following is an entry in ClinVar:

ClinVar aggregate classification (germline): Likely pathogenic (1 of 4 stars; one submission).

Conditions:
Cardiovascular phenotype. Identifiers: MedGen CN230736.

Submission:

Ambry Genetics
Classification: Likely pathogenic for Cardiovascular phenotype. Last evaluated: 2017-07-20. Review status: criteria provided, single submitter. Criteria: Ambry Variant Classification Scheme 2023. Collection method: clinical testing. Allele origin: germline.
Comment: The c.64370-1G>A intronic variant results from a G to A substitution one nucleotide upstream from coding exon 164 of the TTN gene. Coding exon 164 is located in the A-band region of the N2-B isoform of titin, and is constitutively expressed in TTN transcripts (percent spliced in or PSI 100%). This nucleotide position is highly conserved in available vertebrate species. Using the BDGP and ESEfinder splice site prediction tools, this alteration is predicted to abolish the native splice acceptor site; however, direct evidence is unavailable. While truncating variants in TTN are present in 1-3% of the general population, truncating variants in the A-band are the most common cause of dilated cardiomyopathy (DCM) (Herman DS et al. N. Engl. J. Med. 2012 Feb;366:619-28; Roberts AM et al. Sci Transl Med. 2015 Jan;7:270ra6). TTN truncating variants encoded in constitutive exons (PSI >90%) have been found to be significantly associated with DCM regardless of their position in titin (Schafer S et al. Nat. Genet. 2017 Jan;49:46-53). This alteration disrupts the canonical splice site for an exon in the A-band and is expected to cause aberrant splicing, resulting in an abnormal protein or a transcript that is subject to nonsense-mediated mRNA decay. As such, this alteration is classified as likely pathogenic.

NM_001267550.2(TTN):c.91565-1G>A

Genes: TTN (titin; minus strand), TTN-AS1 (TTN antisense RNA 1; plus strand). Cytogenetic location: 2q31.2.
Variant type: single nucleotide variant.
Coding change: c.91565-1G>A on transcript NM_001267550.2 (MANE Select); the canonical splice acceptor site of the intron before coding-DNA position 91565, G replaced by A.
Molecular consequence: splice acceptor variant.
Genome position (GRCh38, 1-based): chr2:178,550,274, C>T on the plus strand (G>A on the coding strand, the complement: TTN is on the minus strand). VCF-style: chr2-178550274-C-T. GRCh37 (hg19) VCF-style: chr2-179415001-C-T.
Other names: c.64370-1G>A (NM_003319.4); c.64946-1G>A (NM_133437.4); c.64745-1G>A (NM_133432.3); c.83861-1G>A (NM_133378.4); c.86642-1G>A (NM_001256850.1).
Identifiers: ClinVar variation 519177 (VCV000519177.5), dbSNP rs775248181, ClinGen allele CA349500060.